The following is an entry in ClinVar:

ClinVar aggregate classification (germline): Uncertain significance (1 of 4 stars; one submission).

Conditions:
Juvenile polyposis syndrome (JPS). Identifiers: Orphanet 2929, MedGen C0345893, MONDO:0017380, OMIM 174900.

Submission:

Labcorp Genetics (formerly Invitae), Labcorp
Classification: Uncertain significance for Juvenile polyposis syndrome. Last evaluated: 2025-02-11. Review status: criteria provided, single submitter. Criteria: Invitae Variant Classification Sherloc (09022015). Collection method: clinical testing. Allele origin: germline.
Comment: This sequence change replaces cysteine, which is neutral and slightly polar, with phenylalanine, which is neutral and non-polar, at codon 16 of the SMAD4 protein (p.Cys16Phe). This variant is not present in population databases (gnomAD no frequency). This variant has not been reported in the literature in individuals affected with SMAD4-related conditions. ClinVar contains an entry for this variant (Variation ID: 1355920). Invitae Evidence Modeling of protein sequence and biophysical properties (such as structural, functional, and spatial information, amino acid conservation, physicochemical variation, residue mobility, and thermodynamic stability) has been performed for this missense variant. However, the output from this modeling did not meet the statistical confidence thresholds required to predict the impact of this variant on SMAD4 protein function. In summary, the available evidence is currently insufficient to determine the role of this variant in disease. Therefore, it has been classified as a Variant of Uncertain Significance.

NM_005359.6(SMAD4):c.47G>T (p.Cys16Phe)

Gene: SMAD4 (SMAD family member 4; plus strand). Cytogenetic location: 18q21.2.
Variant type: single nucleotide variant.
Coding change: c.47G>T on transcript NM_005359.6 (MANE Select); coding-DNA position 47, G replaced by T.
Protein change: p.Cys16Phe; replaces cysteine 16 with phenylalanine.
Molecular consequence: missense variant.
Genome position (GRCh38, 1-based): chr18:51,047,093, G>T. VCF-style: chr18-51047093-G-T. GRCh37 (hg19) VCF-style: chr18-48573463-G-T.
Other names: short protein forms C16F.
Identifiers: ClinVar variation 1355920 (VCV001355920.8), dbSNP rs1555684993, ClinGen allele CA402457376.